The following is an entry in ClinVar:

ClinVar aggregate classification (germline): Uncertain significance. Review status: criteria provided, multiple submitters, no conflicts (2 of 4 stars). 3 submissions from 3 submitters: Uncertain significance (3). Last evaluated 2025-10-25.

Conditions:
Primary ciliary dyskinesia 23 (CILD23). Also called: CILIARY DYSKINESIA, PRIMARY, 23, WITH OR WITHOUT SITUS INVERSUS. Identifiers: Orphanet 244, MedGen C3809548, MONDO:0014193, OMIM 615451.
Primary ciliary dyskinesia. Also called: Ciliary dyskinesia. Identifiers: Orphanet 244, MedGen C0008780, MONDO:0016575, HP:0012265.

Allele frequency attached by ClinVar (database versions not stated): gnomAD exomes 0.00011; gnomAD 0.00013 and 0.00014; ExAC 0.00015; TOPMed 0.00017; ESP Exome Variant Server 0.00023.
gnomAD v4.1: 69 of 1,613,928 alleles (0.0043%); highest among the groups gnomAD compares: African/African-American, 0.043%; no homozygotes.

Submissions (3):

Ambry Genetics
Classification: Uncertain significance for Primary ciliary dyskinesia. Last evaluated: 2025-10-25. Review status: criteria provided, single submitter. Criteria: Ambry Variant Classification Scheme 2023. Collection method: clinical testing. Allele origin: germline.
Comment: The p.G15R variant (also known as c.43G>A), located in coding exon 1 of the ARMC4 gene, results from a G to A substitution at nucleotide position 43. The glycine at codon 15 is replaced by arginine, an amino acid with dissimilar properties. This amino acid position is conserved. In addition, this alteration is predicted to be tolerated by in silico analysis. Based on the available evidence, the clinical significance of this variant remains unclear.

Labcorp Genetics (formerly Invitae), Labcorp
Classification: Uncertain significance for Primary ciliary dyskinesia 23. Last evaluated: 2022-08-23. Review status: criteria provided, single submitter. Criteria: Invitae Variant Classification Sherloc (09022015). Collection method: clinical testing. Allele origin: germline.
Comment: This sequence change replaces glycine, which is neutral and non-polar, with arginine, which is basic and polar, at codon 15 of the ARMC4 protein (p.Gly15Arg). This variant is present in population databases (rs375424862, gnomAD 0.05%). This variant has not been reported in the literature in individuals affected with ARMC4-related conditions. ClinVar contains an entry for this variant (Variation ID: 1681405). Algorithms developed to predict the effect of missense changes on protein structure and function output the following: SIFT: "Deleterious"; PolyPhen-2: "Benign"; Align-GVGD: "Class C0". The arginine amino acid residue is found in multiple mammalian species, which suggests that this missense change does not adversely affect protein function. In summary, the available evidence is currently insufficient to determine the role of this variant in disease. Therefore, it has been classified as a Variant of Uncertain Significance.

Breakthrough Genomics
Classification: Uncertain significance. Review status: criteria provided, single submitter. Criteria: ACMG Guidelines, 2015. Collection method: not provided. Allele origin: germline. Inheritance: Autosomal recessive inheritance. Affected: yes.

NM_018076.5(ODAD2):c.43G>A (p.Gly15Arg)

Genes: ODAD2 (outer dynein arm docking complex subunit 2; minus strand), LOC126860891 (CDK7 strongly-dependent group 2 enhancer GRCh37_chr10:28283413-28284612; plus strand). Cytogenetic location: 10p12.1.
Variant type: single nucleotide variant.
Coding change: c.43G>A on transcript NM_018076.5 (MANE Select); coding-DNA position 43, G replaced by A.
Protein change: p.Gly15Arg; replaces glycine 15 with arginine.
Molecular consequence: missense variant.
Genome position (GRCh38, 1-based): chr10:27,995,100, C>T on the plus strand (G>A on the coding strand, the complement: ODAD2 is on the minus strand). VCF-style: chr10-27995100-C-T. GRCh37 (hg19) VCF-style: chr10-28284029-C-T.
Other names: c.43G>A, p.Gly15Arg (NM_001290020.2); c.43G>A (NM_018076.2); short protein forms G15R.
Identifiers: ClinVar variation 1681405 (VCV001681405.5), dbSNP rs375424862, ClinGen allele CA5453911.